The following is an entry in ClinVar:

ClinVar aggregate classification (germline): Likely pathogenic (1 of 4 stars; one submission).

gnomAD v4.1: 1 of 1,589,412 alleles (0.000063%); highest among the groups gnomAD compares: Non-Finnish European, 0.000086%; no homozygotes.

Submission:

Labcorp Genetics (formerly Invitae), Labcorp
Classification: Likely pathogenic. Last evaluated: 2021-12-23. Review status: criteria provided, single submitter. Criteria: Invitae Variant Classification Sherloc (09022015). Collection method: clinical testing. Allele origin: germline.
Comment: This sequence change affects a donor splice site in intron 6 of the TONSL gene. It is expected to disrupt RNA splicing. Variants that disrupt the donor or acceptor splice site typically lead to a loss of protein function (PMID: 16199547), and loss-of-function variants in TONSL are known to be pathogenic (PMID: 30773277). This variant is not present in population databases (gnomAD no frequency). This variant has not been reported in the literature in individuals affected with TONSL-related conditions. Algorithms developed to predict the effect of sequence changes on RNA splicing suggest that this variant may disrupt the consensus splice site. In summary, the currently available evidence indicates that the variant is pathogenic, but additional data are needed to prove that conclusively. Therefore, this variant has been classified as Likely Pathogenic.

Literature cited by the submitters: PubMed 16199547; PubMed 30773277.

NM_013432.5(TONSL):c.750+1G>A

Gene: TONSL (tonsoku like, DNA repair protein; minus strand). Cytogenetic location: 8q24.3.
Variant type: single nucleotide variant.
Coding change: c.750+1G>A on transcript NM_013432.5 (MANE Select); the canonical splice donor site of the intron after coding-DNA position 750, G replaced by A.
Molecular consequence: splice donor variant.
Genome position (GRCh38, 1-based): chr8:144,442,240, C>T on the plus strand (G>A on the coding strand, the complement: TONSL is on the minus strand). VCF-style: chr8-144442240-C-T. GRCh37 (hg19) VCF-style: chr8-145667623-C-T.
Identifiers: ClinVar variation 1965119 (VCV001965119.2), dbSNP rs1823748085, ClinGen allele CA372676245.